The following is an entry in ClinVar:

NM_001401501.2(MUC16):c.8621C>T (p.Thr2874Met)

Gene: MUC16 (mucin 16, cell surface associated; minus strand). Cytogenetic location: 19p13.2.
Variant type: single nucleotide variant.
Coding change: c.8621C>T on transcript NM_001401501.2 (MANE Select); coding-DNA position 8621, C replaced by T.
Protein change: p.Thr2874Met; replaces threonine 2874 with methionine.
Molecular consequence: missense variant.
Genome position (GRCh38, 1-based): chr19:8,972,638, G>A on the plus strand (C>T on the coding strand, the complement: MUC16 is on the minus strand). VCF-style: chr19-8972638-G-A. GRCh37 (hg19) VCF-style: chr19-9083314-G-A.
Other names: c.9047C>T, p.Thr3016Met (NM_001414686.1); c.8501C>T, p.Thr2834Met (NM_001414687.1, NM_024690.2); short protein forms T2834M, T2874M, T3016M.
Identifiers: ClinVar variation 781408 (VCV000781408.6), dbSNP rs10407623, ClinGen allele CA9171954.

ClinVar aggregate classification (germline): Benign. Review status: criteria provided, multiple submitters, no conflicts (2 of 4 stars). 3 submissions from 3 submitters: Benign (2). 1 of the submissions does not count toward it. Last evaluated 2018-08-14.

Conditions:
MUC16-related disorder. Also called: MUC16-related condition.

Allele frequency attached by ClinVar (database versions not stated): ESP Exome Variant Server 0.02348; gnomAD exomes 0.00570 and 0.00239; ExAC 0.00700; gnomAD 0.02325 and 0.02172; 1000 Genomes Project 30x 0.02436; 1000 Genomes Project 0.02256; TOPMed 0.02471.

Submissions (3):

Labcorp Genetics (formerly Invitae), Labcorp
Classification: Benign. Last evaluated: 2018-08-14. Review status: criteria provided, single submitter. Criteria: Invitae Variant Classification Sherloc (09022015). Collection method: clinical testing. Allele origin: germline.

Breakthrough Genomics
Classification: Benign. Review status: criteria provided, single submitter. Criteria: ACMG Guidelines, 2015. Collection method: not provided. Allele origin: germline. Inheritance: Unknown mechanism. Affected: yes.

PreventionGenetics, part of Exact Sciences
Classification: Benign for MUC16-related condition. Last evaluated: 2019-10-01. Review status: no assertion criteria provided. Collection method: clinical testing. Allele origin: germline. Not counted in ClinVar's aggregate classification.
Comment: This variant is classified as benign based on ACMG/AMP sequence variant interpretation guidelines (Richards et al. 2015 PMID: 25741868, with internal and published modifications).